The following is an entry in ClinVar:

ClinVar aggregate classification (germline): Uncertain significance (1 of 4 stars; one submission).

Allele frequency attached by ClinVar (database versions not stated): gnomAD exomes below 0.00001.
gnomAD v4.1: 2 of 1,613,004 alleles (0.00012%); highest among the groups gnomAD compares: Middle Eastern, 0.033%; no homozygotes.

Submission:

Labcorp Genetics (formerly Invitae), Labcorp
Classification: Uncertain significance. Last evaluated: 2022-06-09. Review status: criteria provided, single submitter. Criteria: Invitae Variant Classification Sherloc (09022015). Collection method: clinical testing. Allele origin: germline.
Comment: This sequence change replaces methionine, which is neutral and non-polar, with threonine, which is neutral and polar, at codon 633 of the SLC4A11 protein (p.Met633Thr). This variant is present in population databases (no rsID available, gnomAD no frequency). In summary, the available evidence is currently insufficient to determine the role of this variant in disease. Therefore, it has been classified as a Variant of Uncertain Significance. This variant has not been reported in the literature in individuals affected with SLC4A11-related conditions. Algorithms developed to predict the effect of sequence changes on RNA splicing suggest that this variant may disrupt the consensus splice site. Algorithms developed to predict the effect of missense changes on protein structure and function (SIFT, PolyPhen-2, Align-GVGD) all suggest that this variant is likely to be tolerated.

NM_001174089.2(SLC4A11):c.1850T>C (p.Met617Thr)

Gene: SLC4A11 (solute carrier family 4 member 11; minus strand). Cytogenetic location: 20p13.
Variant type: single nucleotide variant.
Coding change: c.1850T>C on transcript NM_001174089.2 (MANE Select); coding-DNA position 1850, T replaced by C.
Protein change: p.Met617Thr; replaces methionine 617 with threonine.
Molecular consequence: missense variant. On other transcripts: non-coding transcript variant (1).
Genome position (GRCh38, 1-based): chr20:3,229,263, A>G on the plus strand (T>C on the coding strand, the complement: SLC4A11 is on the minus strand). VCF-style: chr20-3229263-A-G. GRCh37 (hg19) VCF-style: chr20-3209909-A-G.
Other names: c.1979T>C, p.Met660Thr (NM_001174090.2); c.1736T>C, p.Met579Thr (NM_001363745.2); c.1793T>C, p.Met598Thr (NM_001400277.1, NM_001400278.1, NM_001400279.1); c.1865T>C, p.Met622Thr (NM_001400280.1); c.1898T>C, p.Met633Thr (NM_032034.4); short protein forms M617T, M598T, M660T, M622T, M579T, M633T.
Identifiers: ClinVar variation 2170751 (VCV002170751.4), dbSNP rs1488008877, ClinGen allele CA408087565.